The following is an entry in ClinVar:

ClinVar aggregate classification (germline): Uncertain significance (1 of 4 stars; one submission).

Conditions:
Charcot-Marie-Tooth disease type 4. Also called: Charcot-Marie-Tooth disease, type IV; Charcot-Marie-Tooth, Type 4. Identifiers: Orphanet 64749, MedGen C4082197, MONDO:0018995.

Allele frequency attached by ClinVar (database versions not stated): gnomAD exomes below 0.00001 and 0.00001.
gnomAD v4.1: 4 of 1,607,922 alleles (0.00025%); highest among the groups gnomAD compares: Admixed American, 0.0033%; no homozygotes.

Submission:

Labcorp Genetics (formerly Invitae), Labcorp
Classification: Uncertain significance for Charcot-Marie-Tooth disease type 4. Last evaluated: 2021-09-08. Review status: criteria provided, single submitter. Criteria: Invitae Variant Classification Sherloc (09022015). Collection method: clinical testing. Allele origin: germline.
Comment: This sequence change replaces valine with methionine at codon 154 of the MTMR2 protein (p.Val154Met). The valine residue is moderately conserved and there is a small physicochemical difference between valine and methionine. This variant is not present in population databases (ExAC no frequency). This variant has not been reported in the literature in individuals affected with MTMR2-related conditions. Algorithms developed to predict the effect of missense changes on protein structure and function are either unavailable or do not agree on the potential impact of this missense change (SIFT: "Tolerated"; PolyPhen-2: "Possibly Damaging"; Align-GVGD: "Class C0"). In summary, the available evidence is currently insufficient to determine the role of this variant in disease. Therefore, it has been classified as a Variant of Uncertain Significance.

NM_016156.6(MTMR2):c.460G>A (p.Val154Met)

Gene: MTMR2 (myotubularin related protein 2; minus strand). Cytogenetic location: 11q21.
Variant type: single nucleotide variant.
Coding change: c.460G>A on transcript NM_016156.6 (MANE Select); coding-DNA position 460, G replaced by A.
Protein change: p.Val154Met; replaces valine 154 with methionine.
Molecular consequence: missense variant.
Genome position (GRCh38, 1-based): chr11:95,862,000, C>T on the plus strand (G>A on the coding strand, the complement: MTMR2 is on the minus strand). VCF-style: chr11-95862000-C-T. GRCh37 (hg19) VCF-style: chr11-95595164-C-T.
Other names: c.244G>A, p.Val82Met (NM_001243571.2, NM_201278.3, NM_201281.3); short protein forms V82M, V154M.
Identifiers: ClinVar variation 1448377 (VCV001448377.6), dbSNP rs1464362553, ClinGen allele CA382429351.